The following is an entry in ClinVar:

ClinVar aggregate classification (germline): Uncertain significance. Review status: criteria provided, multiple submitters, no conflicts (2 of 4 stars). 2 submissions from 2 submitters: Uncertain significance (2). Last evaluated 2026-01-21.

Conditions:
Macrocephaly, neurodevelopmental delay, lymphoid hyperplasia, and persistent fetal hemoglobin (MNDLFH). Identifiers: Orphanet 694956, MedGen C5676928, MONDO:0859231, OMIM 619769.

Submissions (2):

Dasa
Classification: Uncertain significance. Last evaluated: 2026-01-21. Review status: criteria provided, single submitter. Criteria: DASA Assertion Criteria. Collection method: clinical testing. Allele origin: germline.
Comment: NM_015898.4(ZBTB7A):c.1636G>A (p.Asp546Asn) is a missense variant that results in the substitution of aspartic acid with asparagine. This variant is rare in population databases. Computational prediction algorithms are consistent with a benign effect. The currently available literature and clinical evidence are not sufficient to establish a definitive association between this variant and the reported condition. Therefore, this variant is classified as a variant of uncertain significance.

Laboratorio de Genetica e Diagnostico Molecular, Hospital Israelita Albert Einstein
Classification: Uncertain significance for Macrocephaly, neurodevelopmental delay, lymphoid hyperplasia, and persistent fetal hemoglobin. Last evaluated: 2024-12-23. Review status: criteria provided, single submitter. Criteria: ACMG Guidelines, 2015. Collection method: clinical testing. Allele origin: germline. Affected: yes.
Comment: ACMG classification criteria: PM2 supporting, BP4 supporting

NM_015898.4(ZBTB7A):c.1636G>A (p.Asp546Asn)

Gene: ZBTB7A (zinc finger and BTB domain containing 7A; minus strand). Cytogenetic location: 19p13.3.
Variant type: single nucleotide variant.
Coding change: c.1636G>A on transcript NM_015898.4 (MANE Select); coding-DNA position 1636, G replaced by A.
Protein change: p.Asp546Asn; replaces aspartic acid 546 with asparagine.
Molecular consequence: missense variant.
Genome position (GRCh38, 1-based): chr19:4,047,871, C>T on the plus strand (G>A on the coding strand, the complement: ZBTB7A is on the minus strand). VCF-style: chr19-4047871-C-T. GRCh37 (hg19) VCF-style: chr19-4047869-C-T.
Other names: c.1636G>A, p.Asp546Asn (NM_001317990.2); short protein forms D546N.
Identifiers: ClinVar variation 4076336 (VCV004076336.3).